The following is an entry in ClinVar:

ClinVar aggregate classification (germline): Likely pathogenic (1 of 4 stars; one submission).

Conditions:
Deficiency of hyaluronoglucosaminidase (MPS9). Also called: MPS IX; Mucopolysaccharidosis type 9; HYALURONIDASE DEFICIENCY. Identifiers: Orphanet 67041, MedGen C1291490, MONDO:0011093, OMIM 601492.

Submission:

Natera, Inc.
Classification: Likely pathogenic for Mucopolysaccharidosis type IX. Last evaluated: 2024-12-16. Review status: criteria provided, single submitter. Criteria: Natera Variant Classification Schema (03/2026). Collection method: clinical testing. Allele origin: germline.
Comment: The c.1100del variant in HYAL1 is a frameshift variant predicted to shift the reading frame beginning at codon 367 and leads to a stop codon 32 codons downstream. This variant is expected to result in nonsense mediated decay, truncation, or a dysfunctional protein product. This variant is rare in the general population with a frequency below the threshold expected for the associated phenotype(s). Given the available evidence, this variant is classified as Likely Pathogenic.

NM_033159.4(HYAL1):c.1100del (p.Gly367fs)

Gene: HYAL1 (hyaluronidase 1; minus strand). Cytogenetic location: 3p21.31.
Variant type: Deletion.
Coding change: c.1100del on transcript NM_033159.4 (MANE Select); coding-DNA position 1100, one base deleted (G; older notation c.1100delG).
Protein change: p.Gly367fs; shifts the reading frame from glycine 367.
Molecular consequence: frameshift variant. On other transcripts: non-coding transcript variant (1).
Genome position (GRCh38, 1-based): chr3:50,300,691, C deleted on the plus strand (G on the coding strand, the reverse complement: HYAL1 is on the minus strand); the first of 2 consecutive C bases (chr3:50,300,691-50,300,692); deleting either gives the same sequence. VCF-style (leftmost placement, unchanged base first): chr3-50300690-GC-G. GRCh37 (hg19) VCF-style: chr3-50338121-GC-G.
Other names: c.1100del, p.Gly367fs (NM_153281.2); c.1010del, p.Gly337fs (NM_153282.3); c.554del, p.Gly185fs (NM_153283.3); c.323del, p.Gly108fs (NM_153285.3); short protein forms G108fs, G185fs, G337fs, G367fs.
Identifiers: ClinVar variation 4816909 (VCV004816909.1).